The following is an entry in ClinVar:

ClinVar aggregate classification (germline): Likely benign (1 of 4 stars; one submission).

Allele frequency attached by ClinVar (database versions not stated): ESP Exome Variant Server 0.00223; gnomAD exomes 0.00224; gnomAD 0.00278; ExAC 0.00325.

Submission:

CeGaT Center for Human Genetics Tuebingen
Classification: Likely benign. Last evaluated: 2024-10-01. Review status: criteria provided, single submitter. Criteria: CeGaT Center For Human Genetics Tuebingen Variant Classification Criteria Version 2. Collection method: clinical testing. Allele origin: germline. Affected: yes. Observed: 3 variant alleles.
Comment: OR2T11: BS2

NM_001001964.2(OR2T11):c.259_260dup (p.Ile88fs)

Gene: OR2T11 (olfactory receptor family 2 subfamily T member 11; minus strand). Cytogenetic location: 1q44.
Variant type: Duplication.
Coding change: c.259_260dup on transcript NM_001001964.2 (MANE Select); coding-DNA positions 259 to 260, 2 bases duplicated (AA; older notation c.259_260dupAA).
Protein change: p.Ile88fs; shifts the reading frame from isoleucine 88.
Molecular consequence: frameshift variant.
Genome position (GRCh38, 1-based): chr1:248,626,869-248,626,870, TT duplicated on the plus strand (AA on the coding strand, the reverse complement: OR2T11 is on the minus strand). VCF-style (leftmost placement, unchanged base first): chr1-248626868-C-CTT. GRCh37 (hg19) VCF-style: chr1-248790169-C-CTT.
Other names: short protein forms I88fs.
Identifiers: ClinVar variation 2640258 (VCV002640258.24), dbSNP rs767824710, ClinGen allele CA1506224.